The following is an entry in ClinVar:

ClinVar aggregate classification (germline): Uncertain significance (1 of 4 stars; one submission).

Conditions:
Cardiovascular phenotype. Identifiers: MedGen CN230736.

Allele frequency attached by ClinVar (database versions not stated): gnomAD exomes 0.00001; TOPMed 0.00002; gnomAD 0.00005.
gnomAD v4.1: 26 of 1,551,452 alleles (0.0017%); highest among the groups gnomAD compares: Admixed American, 0.0039%; no homozygotes.

Submission:

Ambry Genetics
Classification: Uncertain significance for Cardiovascular phenotype. Last evaluated: 2024-12-07. Review status: criteria provided, single submitter. Criteria: Ambry Variant Classification Scheme 2023. Collection method: clinical testing. Allele origin: germline.
Comment: The p.S657T variant (also known as c.1969T>A), located in coding exon 9 of the RBM20 gene, results from a T to A substitution at nucleotide position 1969. The serine at codon 657 is replaced by threonine, an amino acid with similar properties. This amino acid position is highly conserved in available vertebrate species. In addition, the in silico prediction for this alteration is inconclusive. Since supporting evidence is limited at this time, the clinical significance of this alteration remains unclear.

NM_001134363.3(RBM20):c.1969T>A (p.Ser657Thr)

Gene: RBM20 (RNA binding motif protein 20; plus strand). Cytogenetic location: 10q25.2.
Variant type: single nucleotide variant.
Coding change: c.1969T>A on transcript NM_001134363.3 (MANE Select); coding-DNA position 1969, T replaced by A.
Protein change: p.Ser657Thr; replaces serine 657 with threonine.
Molecular consequence: missense variant.
Genome position (GRCh38, 1-based): chr10:110,812,366, T>A. VCF-style: chr10-110812366-T-A. GRCh37 (hg19) VCF-style: chr10-112572124-T-A.
Other names: short protein forms S657T.
Identifiers: ClinVar variation 1783573 (VCV001783573.3), dbSNP rs976687779, ClinGen allele CA213223631.